The following is an entry in ClinVar:

ClinVar aggregate classification (germline): Benign/Likely benign. Review status: criteria provided, multiple submitters, no conflicts (2 of 4 stars). 2 submissions from 2 submitters: Benign (1); Likely benign (1). Last evaluated 2026-07-09.

Conditions:
Rhabdoid tumor predisposition syndrome 2 (RTPS2). Identifiers: Orphanet 231108, Orphanet 69077, MedGen C2750074, MONDO:0013224, OMIM 613325.

Submissions (2):

Myriad Genetics, Inc.
Classification: Benign for Rhabdoid tumor predisposition syndrome 2. Last evaluated: 2026-07-09. Review status: criteria provided, single submitter. Criteria: Myriad Autosomal Dominant, Autosomal Recessive and X-Linked Classification Criteria (2023). Collection method: clinical testing. Allele origin: unknown.
Comment: This variant is considered benign. This variant is a silent/synonymous amino acid change and it is not expected to impact splicing.

Labcorp Genetics (formerly Invitae), Labcorp
Classification: Likely benign for Rhabdoid tumor predisposition syndrome 2. Last evaluated: 2018-11-10. Review status: criteria provided, single submitter. Criteria: Invitae Variant Classification Sherloc (09022015). Collection method: clinical testing. Allele origin: germline.

NM_003072.5(SMARCA4):c.936C>A (p.Ser312=)

Gene: SMARCA4 (SWI/SNF related BAF chromatin remodeling complex subunit ATPase 4; plus strand). Cytogenetic location: 19p13.2.
Variant type: single nucleotide variant.
Coding change: c.936C>A on transcript NM_003072.5 (MANE Select); coding-DNA position 936, C replaced by A.
Protein change: p.Ser312=; no amino-acid change (serine 312 retained).
Molecular consequence: synonymous variant. On other transcripts: non-coding transcript variant (1).
Genome position (GRCh38, 1-based): chr19:10,987,742, C>A. VCF-style: chr19-10987742-C-A. GRCh37 (hg19) VCF-style: chr19-11098418-C-A.
Other names: c.936C>A, p.Ser312= (NM_001128844.3, NM_001128845.2, NM_001128846.2 and 4 more transcripts).
Identifiers: ClinVar variation 794964 (VCV000794964.10), dbSNP rs1337803779, ClinGen allele CA505489655.